The following is an entry in ClinVar:

ClinVar aggregate classification (germline): Uncertain significance (1 of 4 stars; one submission).

Conditions:
Parkinsonism-dystonia, infantile. Identifiers: Orphanet 238455, MedGen C2751067, MONDO:0013150.

Submission:

Labcorp Genetics (formerly Invitae), Labcorp
Classification: Uncertain significance for Parkinsonism-dystonia, infantile. Last evaluated: 2021-12-21. Review status: criteria provided, single submitter. Criteria: Invitae Variant Classification Sherloc (09022015). Collection method: clinical testing. Allele origin: germline.
Comment: This sequence change replaces alanine, which is neutral and non-polar, with threonine, which is neutral and polar, at codon 296 of the SLC6A3 protein (p.Ala296Thr). This variant is not present in population databases (gnomAD no frequency). This variant has not been reported in the literature in individuals affected with SLC6A3-related conditions. Algorithms developed to predict the effect of missense changes on protein structure and function are either unavailable or do not agree on the potential impact of this missense change (SIFT: "Tolerated"; PolyPhen-2: "Possibly Damaging"; Align-GVGD: "Class C0"). In summary, the available evidence is currently insufficient to determine the role of this variant in disease. Therefore, it has been classified as a Variant of Uncertain Significance.

NM_001044.5(SLC6A3):c.886G>A (p.Ala296Thr)

Gene: SLC6A3 (solute carrier family 6 member 3). Cytogenetic location: 5p15.33.
Variant type: single nucleotide variant.
Coding change: c.886G>A on transcript NM_001044.5 (MANE Select); coding-DNA position 886, G replaced by A.
Protein change: p.Ala296Thr; replaces alanine 296 with threonine.
Molecular consequence: missense variant.
Genome position (GRCh38, 1-based): chr5:1,420,610, C>T on the plus strand (G>A on the coding strand, the complement: SLC6A3 is on the minus strand). VCF-style: chr5-1420610-C-T. GRCh37 (hg19) VCF-style: chr5-1420725-C-T.
Other names: short protein forms A296T.
Identifiers: ClinVar variation 1962476 (VCV001962476.5), dbSNP rs2477372797, ClinGen allele CA359085616.
Genomic context (GRCh38, chr5:1,420,610, plus strand): 5'-GTGAGCAGACTGTACTCACAGACGCCTCGCAGAGCCGGTAGAAGTCAACGCTCAGGTATG[C>T]TCTGATGCCGTCTATGGCTCCAGGGAGGGTGACCCCACGCAGGAGCAGGGCAGTGAGGAC-3'
Protein context (NP_001035.1, residues 286-306): TLPGAIDGIR[Ala296Thr]YLSVDFYRLC